The following is an entry in ClinVar:

NM_000059.4(BRCA2):c.3623dup (p.Leu1208fs)

Gene: BRCA2 (BRCA2 DNA repair associated; plus strand). Cytogenetic location: 13q13.1.
Variant type: Duplication.
Coding change: c.3623dup on transcript NM_000059.4 (MANE Select); coding-DNA position 3623, one base duplicated (T; older notation c.3623dupT).
Protein change: p.Leu1208fs; shifts the reading frame from leucine 1208.
Molecular consequence: frameshift variant. On other transcripts: non-coding transcript variant (1), intron variant (2).
Genome position (GRCh38, 1-based): chr13:32,337,978, T duplicated; the last of 3 consecutive T bases (chr13:32,337,976-32,337,978); duplicating any one gives the same sequence. VCF-style (leftmost placement, unchanged base first): chr13-32337975-A-AT. GRCh37 (hg19) VCF-style: chr13-32912112-A-AT.
Other names: c.3623dup, p.Leu1208fs (NM_001406719.1, NM_001406720.1, NM_001432077.1); c.1909+4591dup (NM_001406721.1); c.425-6580dup (NM_001406722.1); short protein forms L1208fs.
Identifiers: ClinVar variation 3379252 (VCV003379252.1).
Genomic context (GRCh38, chr13:32,337,975, plus strand): 5'-AAATTAAACGGAAGTTTGCTGGCCTGTTGAAAAATGACTGTAACAAAAGTGCTTCTGGTT[A>AT]TTTAACAGATGAAAATGAAGTGGGGTTTAGGGGCTTTTATTCTGCTCATGGCACAAAACT-3'

ClinVar aggregate classification (germline): Pathogenic (1 of 4 stars; one submission).

Conditions:
Breast-ovarian cancer, familial, susceptibility to, 2 (BROVCA2). Also called: BRCA2 Hereditary Breast and Ovarian Cancer. Identifiers: Orphanet 145, MedGen C2675520, MONDO:0012933, OMIM 612555. Disease mechanism: loss of function.

Submission:

Myriad Genetics, Inc.
Classification: Pathogenic for Breast-ovarian cancer, familial, susceptibility to, 2. Last evaluated: 2024-07-22. Review status: criteria provided, single submitter. Criteria: Myriad Autosomal Dominant, Autosomal Recessive and X-Linked Classification Criteria (2023). Collection method: clinical testing. Allele origin: unknown.
Comment: This variant is considered pathogenic. This variant creates a frameshift predicted to result in premature protein truncation.